The following is an entry in ClinVar:

ClinVar aggregate classification (germline): Likely benign. Review status: reviewed by expert panel (3 of 4 stars). 2 submissions from 2 submitters: Likely benign (1). 1 of the submissions does not count toward it. Last evaluated 2025-01-15.

Conditions:
Hereditary thrombocytopenia and hematologic cancer predisposition syndrome. Identifiers: Orphanet 71290, MedGen CN281654, MONDO:0011071.
Hereditary thrombocytopenia and hematological cancer predisposition syndrome associated with RUNX1. Also called: Familial Platelet Disorder with Propensity to Acute Myelogenous Leukemia; Familial thrombocytopenia with propensity to acute myelogenous leukemia; PLATELET DISORDER, ASPIRIN-LIKE; RUNX1 Familial Platelet Disorder with Associated Myeloid Malignancies. Identifiers: Orphanet 71290, MedGen C1832388, MeSH C563324, MONDO:0100083, OMIM 601399.

Submissions (2):

ClinGen Myeloid Malignancy Variant Curation Expert Panel
Classification: Likely benign for Hereditary thrombocytopenia and hematologic cancer predisposition syndrome. Last evaluated: 2025-01-15. Review status: reviewed by expert panel. Criteria: ClinGen MyeloMalig ACMG Specifications v2. Collection method: curation. Allele origin: germline. Inheritance: Autosomal dominant inheritance.
Comment: NM_001754.5(RUNX1):c.968-8C>A is an intronic variant which is not predicted by SpliceAI to impact splicing (BP4). Additionally, evolutionary conservation algorithms predict the site is not highly conserved (PhyloP score = 0.744953 in GRCh38) (BP7). This variant is absent from gnomAD v2, v3, and v4, and it has not been reported in cases or the literature. In summary, this variant meets criteria to be classified as likely benign for hereditary thrombocytopenia and hematologic cancer predisposition syndrome. ACMG/AMP criteria applied, as specified by the ClinGen Myeloid Malignancy VCEP: BP4, BP7, and PM2_supporting.

Labcorp Genetics (formerly Invitae), Labcorp
Classification: Likely benign for Hereditary thrombocytopenia and hematological cancer predisposition syndrome associated with RUNX1. Last evaluated: 2023-08-24. Review status: criteria provided, single submitter. Criteria: Invitae Variant Classification Sherloc (09022015). Collection method: clinical testing. Allele origin: germline. Not counted in ClinVar's aggregate classification.

NM_001754.5(RUNX1):c.968-8C>A

Gene: RUNX1 (RUNX family transcription factor 1; minus strand). Cytogenetic location: 21q22.12.
Variant type: single nucleotide variant.
Coding change: c.968-8C>A on transcript NM_001754.5 (MANE Select); 8 bases into the intron before coding-DNA position 968, C replaced by A.
Molecular consequence: intron variant.
Genome position (GRCh38, 1-based): chr21:34,792,618, G>T on the plus strand (C>A on the coding strand, the complement: RUNX1 is on the minus strand). VCF-style: chr21-34792618-G-T. GRCh37 (hg19) VCF-style: chr21-36164915-G-T.
Other names: c.887-8C>A (NM_001001890.3).
Identifiers: ClinVar variation 1398841 (VCV001398841.9), dbSNP rs2145878691, ClinGen allele CA2573157367.